The following is an entry in ClinVar:

ClinVar aggregate classification (germline): Conflicting classifications of pathogenicity. Review status: criteria provided, conflicting classifications (1 of 4 stars). 4 submissions from 4 submitters: Uncertain significance (2); Likely benign (1). 1 of the submissions does not count toward it. Last evaluated 2025-09-03.

Conditions:
Hereditary cancer-predisposing syndrome. Also called: Hereditary neoplastic syndrome; Neoplastic Syndromes, Hereditary; Tumor predisposition; Hereditary Cancer Syndrome. Identifiers: Orphanet 140162, MedGen C0027672, MeSH D009386, MONDO:0015356.
DICER1-related disorder. Also called: DICER1-related condition.
DICER1-related tumor predisposition. Also called: DICER1-related pleuropulmonary blastoma cancer predisposition syndrome; DICER1 syndrome. Identifiers: Orphanet 284343, MedGen C3839822, MONDO:0100216.

Allele frequency attached by ClinVar (database versions not stated): gnomAD exomes 0.00001.
gnomAD v4.1: 6 of 1,613,536 alleles (0.00037%); highest among the groups gnomAD compares: Non-Finnish European, 0.00051%; no homozygotes.

Submissions (4):

Ambry Genetics
Classification: Likely benign for Hereditary cancer-predisposing syndrome. Last evaluated: 2025-09-03. Review status: criteria provided, single submitter. Criteria: Ambry Variant Classification Scheme 2023. Collection method: clinical testing. Allele origin: germline.

GeneDx
Classification: Uncertain significance. Last evaluated: 2023-12-20. Review status: criteria provided, single submitter. Criteria: GeneDx Variant Classification Process June 2021. Collection method: clinical testing. Allele origin: germline. Affected: yes.
Comment: Not observed at significant frequency in large population cohorts (gnomAD); In silico analysis supports that this missense variant does not alter protein structure/function; Has not been previously published as pathogenic or benign to our knowledge

Labcorp Genetics (formerly Invitae), Labcorp
Classification: Uncertain significance for DICER1-related tumor predisposition. Last evaluated: 2023-09-12. Review status: criteria provided, single submitter. Criteria: Invitae Variant Classification Sherloc (09022015). Collection method: clinical testing. Allele origin: germline.
Comment: In summary, the available evidence is currently insufficient to determine the role of this variant in disease. Therefore, it has been classified as a Variant of Uncertain Significance. Advanced modeling of protein sequence and biophysical properties (such as structural, functional, and spatial information, amino acid conservation, physicochemical variation, residue mobility, and thermodynamic stability) performed at Invitae indicates that this missense variant is not expected to disrupt DICER1 protein function. ClinVar contains an entry for this variant (Variation ID: 412165). This variant has not been reported in the literature in individuals affected with DICER1-related conditions. This variant is not present in population databases (gnomAD no frequency). This sequence change replaces lysine, which is basic and polar, with threonine, which is neutral and polar, at codon 913 of the DICER1 protein (p.Lys913Thr).

PreventionGenetics, part of Exact Sciences
Classification: Uncertain significance for DICER1-related condition. Last evaluated: 2023-12-23. Review status: no assertion criteria provided. Collection method: clinical testing. Allele origin: germline. Not counted in ClinVar's aggregate classification.
Comment: The DICER1 c.2738A>C variant is predicted to result in the amino acid substitution p.Lys913Thr. To our knowledge, this variant has not been reported in the literature or in a large population database, indicating this variant is rare. In ClinVar, this variant as been interpreted as uncertain. At this time, the clinical significance of this variant is uncertain due to the absence of conclusive functional and genetic evidence.

NM_177438.3(DICER1):c.2738A>C (p.Lys913Thr)

Gene: DICER1 (dicer 1, ribonuclease III; minus strand). Cytogenetic location: 14q32.13.
Variant type: single nucleotide variant.
Coding change: c.2738A>C on transcript NM_177438.3 (MANE Select); coding-DNA position 2738, A replaced by C.
Protein change: p.Lys913Thr; replaces lysine 913 with threonine.
Molecular consequence: missense variant.
Genome position (GRCh38, 1-based): chr14:95,107,674, T>G on the plus strand (A>C on the coding strand, the complement: DICER1 is on the minus strand). VCF-style: chr14-95107674-T-G. GRCh37 (hg19) VCF-style: chr14-95574011-T-G.
Other names: c.2738A>C, p.Lys913Thr (NM_001195573.1, NM_001271282.3, NM_001291628.2 and 1 more transcripts); short protein forms K913T.
Identifiers: ClinVar variation 412165 (VCV000412165.16), dbSNP rs1060503649, ClinGen allele CA16614518.
Genomic context (GRCh38, chr14:95,107,674, plus strand): 5'-ATGATAACGGCATCTTGGTAATCTTCTAATTTAAAAACAAAGGGTGTTTCTTTTGTATAC[T>G]TTGTACTGGGAATGCCTATGCGAGCTTCAGACTTCTCAATATCTTCCATGAATTTAAAGT-3'
Protein context (NP_803187.1, residues 903-923): SEARIGIPST[Lys913Thr]YTKETPFVFK